The following is an entry in ClinVar:

NM_003571.4(BFSP2):c.379C>G (p.Gln127Glu)

Gene: BFSP2 (beaded filament structural protein 2; plus strand). Cytogenetic location: 3q22.1.
Variant type: single nucleotide variant.
Coding change: c.379C>G on transcript NM_003571.4 (MANE Select); coding-DNA position 379, C replaced by G.
Protein change: p.Gln127Glu; replaces glutamine 127 with glutamic acid.
Molecular consequence: missense variant.
Genome position (GRCh38, 1-based): chr3:133,400,462, C>G. VCF-style: chr3-133400462-C-G. GRCh37 (hg19) VCF-style: chr3-133119306-C-G.
Other names: short protein forms Q127E.
Identifiers: ClinVar variation 343405 (VCV000343405.14), dbSNP rs185816798, ClinGen allele CA2623238.

ClinVar aggregate classification (germline): Benign/Likely benign. Review status: criteria provided, multiple submitters, no conflicts (2 of 4 stars). 3 submissions from 3 submitters: Benign (2); Likely benign (1). Last evaluated 2025-09-15.

Conditions:
Cataract 12 multiple types. Identifiers: Orphanet 91492, MedGen C3808115, MONDO:0012701, OMIM 611597.

Allele frequency attached by ClinVar (database versions not stated): gnomAD exomes 0.00020 and 0.00095; gnomAD 0.00031 and 0.00037; TOPMed 0.00054; ExAC 0.00082; 1000 Genomes Project 0.00140; 1000 Genomes Project 30x 0.00187.

Submissions (3):

Labcorp Genetics (formerly Invitae), Labcorp
Classification: Benign for Cataract 12 multiple types. Last evaluated: 2025-09-15. Review status: criteria provided, single submitter. Criteria: Invitae Variant Classification Sherloc (09022015). Collection method: clinical testing. Allele origin: germline.

GeneDx
Classification: Likely benign. Last evaluated: 2018-05-21. Review status: criteria provided, single submitter. Criteria: GeneDx Variant Classification (06012015). Collection method: clinical testing. Allele origin: germline. Affected: yes.
Comment: This variant is considered likely benign or benign based on one or more of the following criteria: it is a conservative change, it occurs at a poorly conserved position in the protein, it is predicted to be benign by multiple in silico algorithms, and/or has population frequency not consistent with disease.

Illumina Laboratory Services, Illumina
Classification: Benign for Cataract 12 multiple types. Last evaluated: 2018-01-12. Review status: criteria provided, single submitter. Criteria: ICSL Variant Classification Criteria 13 December 2019. Collection method: clinical testing. Allele origin: germline.
Comment: This variant was observed in the ICSL laboratory as part of a predisposition screen in an ostensibly healthy population. It had not been previously curated by ICSL or reported in the Human Gene Mutation Database (HGMD: prior to June 1st, 2018), and was therefore a candidate for classification through an automated scoring system. Utilizing variant allele frequency, disease prevalence and penetrance estimates, and inheritance mode, an automated score was calculated to assess if this variant is too frequent to cause the disease. Based on the score and internal cut-off values, a variant classified as benign is not then subjected to further curation. The score for this variant resulted in a classification of benign for this disease.